The following is an entry in ClinVar:

NM_000492.4(CFTR):c.2950G>T (p.Asp984Tyr)

Genes: CFTR (CF transmembrane conductance regulator; plus strand), CFTR-AS2 (CFTR antisense RNA 2; minus strand). Cytogenetic location: 7q31.2.
Variant type: single nucleotide variant.
Coding change: c.2950G>T on transcript NM_000492.4 (MANE Select); coding-DNA position 2950, G replaced by T.
Protein change: p.Asp984Tyr; replaces aspartic acid 984 with tyrosine.
Molecular consequence: missense variant.
Genome position (GRCh38, 1-based): chr7:117,606,715, G>T. VCF-style: chr7-117606715-G-T. GRCh37 (hg19) VCF-style: chr7-117246769-G-T.
Other names: short protein forms D984Y.
Identifiers: ClinVar variation 4227431 (VCV004227431.1).

ClinVar aggregate classification (germline): Uncertain significance (1 of 4 stars; one submission).

Conditions:
Cystic fibrosis (CF). Also called: MUCOVISCIDOSIS. Identifiers: Orphanet 586, MedGen C0010674, MONDO:0009061, OMIM 219700. Disease mechanism: loss of function.

Submission:

Ambry Genetics
Classification: Uncertain significance for Cystic fibrosis. Last evaluated: 2025-08-12. Review status: criteria provided, single submitter. Criteria: Ambry Variant Classification Scheme 2023. Collection method: clinical testing. Allele origin: germline.
Comment: The p.D984Y variant (also known as c.2950G>T), located in coding exon 18 of the CFTR gene, results from a G to T substitution at nucleotide position 2950. The aspartic acid at codon 984 is replaced by tyrosine, an amino acid with highly dissimilar properties. This amino acid position is conserved. In addition, this alteration is predicted to be deleterious by in silico analysis. Based on the available evidence, the clinical significance of this variant remains unclear.